The following is an entry in ClinVar:

ClinVar aggregate classification (germline): Pathogenic (1 of 4 stars; one submission).

Conditions:
Hypertrophic cardiomyopathy. Also called: HYPERTROPHIC MYOCARDIOPATHY. Identifiers: Orphanet 217569, MedGen C0007194, MeSH D002312, MONDO:0005045, HP:0001639.

Submission:

Labcorp Genetics (formerly Invitae), Labcorp
Classification: Pathogenic for Hypertrophic cardiomyopathy. Last evaluated: 2017-01-16. Review status: criteria provided, single submitter. Criteria: Invitae Variant Classification Sherloc (09022015). Collection method: clinical testing. Allele origin: germline.
Comment: This variant is a gross deletion of the genomic region encompassing exons 26-34 of the MYBPC3 gene. The 5' boundary is likely confined to intron 25. The 3' end of this event is unknown as it extends through the termination codon beyond the assayed region for this gene and may encompass additional genes. While this deletion is not anticipated to result in nonsense mediated decay, it is expected to create a truncated protein product or disrupt mRNA translation. This variant has not been reported in the literature in an individual with a MYBPC3-related disease. This deletion eliminates the last 408 amino acids of the MYBPC3 protein (p.Gly868-p.Gln1274), which encompasses important functional domains of the protein and includes the region where several pathogenic missense variants have been described (PMID: 24793961, 25637381, 26358504). For these reasons, this variant has been classified as Pathogenic.

NC_000011.10:g.(?_47331845)_(47336011_?)del

Gene: MYBPC3 (myosin binding protein C3; minus strand). Cytogenetic location: 11p11.2.
Variant type: Deletion.
Identifiers: ClinVar variation 417401 (VCV000417401.1).